The following is an entry in ClinVar:

NM_006796.3(AFG3L2):c.1389G>A (p.Leu463=)

Gene: AFG3L2 (AFG3 like matrix AAA peptidase subunit 2; minus strand). Cytogenetic location: 18p11.21.
Variant type: single nucleotide variant.
Coding change: c.1389G>A on transcript NM_006796.3 (MANE Select); coding-DNA position 1389, G replaced by A.
Protein change: p.Leu463=; no amino-acid change (leucine 463 retained).
Molecular consequence: synonymous variant.
Genome position (GRCh38, 1-based): chr18:12,351,343, C>T on the plus strand (G>A on the coding strand, the complement: AFG3L2 is on the minus strand). VCF-style: chr18-12351343-C-T. GRCh37 (hg19) VCF-style: chr18-12351342-C-T.
Other names: p.L463L:CTG>CTA.
Identifiers: ClinVar variation 128286 (VCV000128286.32), dbSNP rs11080572, ClinGen allele CA288671.

ClinVar aggregate classification (germline): Benign. Review status: criteria provided, multiple submitters, no conflicts (2 of 4 stars). 14 submissions from 12 submitters: Benign (9). 5 of the submissions do not count toward it. Last evaluated 2026-02-03.

Conditions:
Spinocerebellar ataxia type 28 (SCA28). Also called: Spinocerebellar Ataxia Type 28 (SCA28). Identifiers: Orphanet 101109, MedGen C1853249, MONDO:0012450, OMIM 610246.
Spastic ataxia 5. Also called: Spastic Ataxia Type 5 (SPAX5). Identifiers: Orphanet 313772, MedGen C3280977, MONDO:0013776, OMIM 614487.
Optic atrophy 12. Also called: Optic Atrophy Type 12 (OPA12). Identifiers: MedGen C5436534, MONDO:0033549, OMIM 618977.

Allele frequency attached by ClinVar (database versions not stated): 1000 Genomes Project 30x 0.62164; 1000 Genomes Project 0.62320; TOPMed 0.65630; gnomAD 0.67857 and 0.68221; ESP Exome Variant Server 0.68614; gnomAD exomes 0.71710; ExAC 0.72054.
gnomAD v4.1: 1,223,245 of 1,613,846 alleles (76%); highest among the groups gnomAD compares: Non-Finnish European, 79%; 469,062 homozygotes.

Submissions (14):

Labcorp Genetics (formerly Invitae), Labcorp
Classification: Benign. Last evaluated: 2026-02-03. Review status: criteria provided, single submitter. Criteria: Invitae Variant Classification Sherloc (09022015). Collection method: clinical testing. Allele origin: germline.

Blueprint Genetics
Classification: Benign. Last evaluated: 2024-11-28. Review status: criteria provided, single submitter. Criteria: ACMG Guidelines, 2015. Collection method: clinical testing. Allele origin: germline.

Genome-Nilou Lab
Classification: Benign for Optic atrophy 12. Last evaluated: 2021-07-14. Review status: criteria provided, single submitter. Criteria: ACMG Guidelines, 2015. Collection method: clinical testing. Allele origin: germline. Affected: no.

Genome-Nilou Lab
Classification: Benign for Spastic ataxia 5. Last evaluated: 2021-07-14. Review status: criteria provided, single submitter. Criteria: ACMG Guidelines, 2015. Collection method: clinical testing. Allele origin: germline. Affected: no.

Genome-Nilou Lab
Classification: Benign for Spinocerebellar ataxia type 28. Last evaluated: 2021-07-14. Review status: criteria provided, single submitter. Criteria: ACMG Guidelines, 2015. Collection method: clinical testing. Allele origin: germline. Affected: no.

Illumina Laboratory Services, Illumina
Classification: Benign for Spinocerebellar ataxia type 28. Last evaluated: 2018-01-12. Review status: criteria provided, single submitter. Criteria: ICSL Variant Classification Criteria 13 December 2019. Collection method: clinical testing. Allele origin: germline.
Comment: This variant was observed in the ICSL laboratory as part of a predisposition screen in an ostensibly healthy population. It had not been previously curated by ICSL or reported in the Human Gene Mutation Database (HGMD: prior to June 1st, 2018), and was therefore a candidate for classification through an automated scoring system. Utilizing variant allele frequency, disease prevalence and penetrance estimates, and inheritance mode, an automated score was calculated to assess if this variant is too frequent to cause the disease. Based on the score and internal cut-off values, a variant classified as benign is not then subjected to further curation. The score for this variant resulted in a classification of benign for this disease.

Eurofins Ntd Llc (ga)
Classification: Benign. Last evaluated: 2015-05-21. Review status: criteria provided, single submitter. Criteria: EGL Classification Definitions 2015. Collection method: clinical testing. Allele origin: germline. Observed: 19 variant alleles, 9 heterozygotes, 10 homozygotes.

GeneDx
Classification: Benign. Last evaluated: 2013-09-09. Review status: criteria provided, single submitter. Criteria: GeneDx Variant Classification (06012015). Collection method: clinical testing. Allele origin: germline. Affected: yes.
Comment: This variant is considered likely benign or benign based on one or more of the following criteria: it is a conservative change, it occurs at a poorly conserved position in the protein, it is predicted to be benign by multiple in silico algorithms, and/or has population frequency not consistent with disease.

Breakthrough Genomics
Classification: Benign. Review status: criteria provided, single submitter. Criteria: ACMG Guidelines, 2015. Collection method: not provided. Allele origin: germline. Inheritance: Autosomal recessive inheritance. Affected: yes.

Mayo Clinic Laboratories, Mayo Clinic
Classification: Benign. Last evaluated: 2016-02-11. Review status: no assertion criteria provided. Collection method: clinical testing. Allele origin: unknown. Not counted in ClinVar's aggregate classification.

Clinical Genetics DNA and cytogenetics Diagnostics Lab, Erasmus MC, Erasmus Medical Center
Classification: Benign. Review status: no assertion criteria provided. Collection method: clinical testing. Allele origin: germline. Affected: yes. Study: VKGL Data-share Consensus. Not counted in ClinVar's aggregate classification.

Diagnostic Laboratory, Department of Genetics, University Medical Center Groningen
Classification: Benign. Review status: no assertion criteria provided. Collection method: clinical testing. Allele origin: germline. Affected: yes. Study: VKGL Data-share Consensus. Not counted in ClinVar's aggregate classification.

Genetic Services Laboratory, University of Chicago
Classification: Likely benign for AllHighlyPenetrant. Review status: no assertion criteria provided. Collection method: clinical testing. Allele origin: germline. Inheritance: Autosomal recessive inheritance. Not counted in ClinVar's aggregate classification.
Comment: Likely benign based on allele frequency in 1000 Genomes Project or ESP global frequency and its presence in a patient with a rare or unrelated disease phenotype. NOT Sanger confirmed.

Joint Genome Diagnostic Labs from Nijmegen and Maastricht, Radboudumc and MUMC+
Classification: Benign. Review status: no assertion criteria provided. Collection method: clinical testing. Allele origin: germline. Affected: yes. Study: VKGL Data-share Consensus. Not counted in ClinVar's aggregate classification.